The following is an entry in ClinVar:

ClinVar aggregate classification (germline): Uncertain significance (1 of 4 stars; one submission).

Conditions:
Hereditary cancer-predisposing syndrome. Also called: Hereditary Cancer Syndrome; Tumor predisposition; Neoplastic Syndromes, Hereditary; Hereditary neoplastic syndrome. Identifiers: Orphanet 140162, MedGen C0027672, MeSH D009386, MONDO:0015356.

Allele frequency attached by ClinVar (database versions not stated): gnomAD exomes below 0.00001.
gnomAD v4.1: 2 of 1,614,094 alleles (0.00012%); highest among the groups gnomAD compares: Admixed American, 0.0033%; no homozygotes.

Submission:

Labcorp Genetics (formerly Invitae), Labcorp
Classification: Uncertain significance for Hereditary cancer-predisposing syndrome. Last evaluated: 2022-03-01. Review status: criteria provided, single submitter. Criteria: Invitae Variant Classification Sherloc (09022015). Collection method: clinical testing. Allele origin: germline.
Comment: This sequence change replaces lysine, which is basic and polar, with glutamine, which is neutral and polar, at codon 22 of the RAD50 protein (p.Lys22Gln). This variant is present in population databases (no rsID available, gnomAD 0.006%). This variant has not been reported in the literature in individuals affected with RAD50-related conditions. Algorithms developed to predict the effect of missense changes on protein structure and function are either unavailable or do not agree on the potential impact of this missense change (SIFT: "Tolerated"; PolyPhen-2: "Probably Damaging"; Align-GVGD: "Class C0"). In summary, the available evidence is currently insufficient to determine the role of this variant in disease. Therefore, it has been classified as a Variant of Uncertain Significance.

NM_005732.4(RAD50):c.64A>C (p.Lys22Gln)

Gene: RAD50 (RAD50 double strand break repair protein; plus strand). Cytogenetic location: 5q31.1.
Variant type: single nucleotide variant.
Coding change: c.64A>C on transcript NM_005732.4 (MANE Select); coding-DNA position 64, A replaced by C.
Protein change: p.Lys22Gln; replaces lysine 22 with glutamine.
Molecular consequence: missense variant.
Genome position (GRCh38, 1-based): chr5:132,557,388, A>C. VCF-style: chr5-132557388-A-C. GRCh37 (hg19) VCF-style: chr5-131893080-A-C.
Other names: short protein forms K22Q.
Identifiers: ClinVar variation 2105037 (VCV002105037.4), dbSNP rs1325544381, ClinGen allele CA360951245.